The following is an entry in ClinVar:

NM_000264.5(PTCH1):c.3304T>G (p.Leu1102Val)

Gene: PTCH1 (patched 1; minus strand). Cytogenetic location: 9q22.32.
Variant type: single nucleotide variant.
Coding change: c.3304T>G on transcript NM_000264.5 (MANE Select); coding-DNA position 3304, T replaced by G.
Protein change: p.Leu1102Val; replaces leucine 1102 with valine.
Molecular consequence: missense variant. On other transcripts: non-coding transcript variant (1).
Genome position (GRCh38, 1-based): chr9:95,456,278, A>C on the plus strand (T>G on the coding strand, the complement: PTCH1 is on the minus strand). VCF-style: chr9-95456278-A-C. GRCh37 (hg19) VCF-style: chr9-98218560-A-C.
Other names: c.3106T>G, p.Leu1036Val (NM_001083602.3); c.3301T>G, p.Leu1101Val (NM_001083603.3); c.2851T>G, p.Leu951Val (NM_001083604.3, NM_001083605.3, NM_001083606.3 and 1 more transcripts); c.3148T>G, p.Leu1050Val (NM_001354918.2); short protein forms L1102V, L1036V, L1050V, L1101V, L951V.
Identifiers: ClinVar variation 486217 (VCV000486217.14), dbSNP rs1554690984, ClinGen allele CA374111954.
Genomic context (GRCh38, chr9:95,456,278, plus strand): 5'-GAGCCAGAGGAAATGGGTTGTTTTTTCACAAAGTTTTTGCTTCAAATGTCTCCCATACCA[A>C]AGCAACGTGAACGGTGAACTCCACTCCTATGCCAACAGAAGCGATCAGGATGACCACGGG-3'
Protein context (NP_000255.2, residues 1092-1112): IGVEFTVHVA[Leu1102Val]AFLTAIGDKN

ClinVar aggregate classification (germline): Uncertain significance. Review status: criteria provided, multiple submitters, no conflicts (2 of 4 stars). 2 submissions from 2 submitters: Uncertain significance (2). Last evaluated 2024-10-08.

Conditions:
Hereditary cancer-predisposing syndrome. Also called: Tumor predisposition; Neoplastic Syndromes, Hereditary; Hereditary Cancer Syndrome; Hereditary neoplastic syndrome. Identifiers: Orphanet 140162, MedGen C0027672, MeSH D009386, MONDO:0015356.
Gorlin syndrome. Also called: Basal cell nevus syndrome; Nevoid Basal Cell Carcinoma Syndrome. Identifiers: Orphanet 377, MedGen C0004779, MONDO:0007187.

Allele frequency attached by ClinVar (database versions not stated): gnomAD exomes below 0.00001.
gnomAD v4.1: 2 of 1,613,738 alleles (0.00012%); highest among the groups gnomAD compares: Non-Finnish European, 0.00017%; no homozygotes.

Submissions (2):

Labcorp Genetics (formerly Invitae), Labcorp
Classification: Uncertain significance for Gorlin syndrome. Last evaluated: 2024-10-08. Review status: criteria provided, single submitter. Criteria: Invitae Variant Classification Sherloc (09022015). Collection method: clinical testing. Allele origin: germline.
Comment: This sequence change replaces leucine, which is neutral and non-polar, with valine, which is neutral and non-polar, at codon 1102 of the PTCH1 protein (p.Leu1102Val). This variant is not present in population databases (gnomAD no frequency). This variant has not been reported in the literature in individuals affected with PTCH1-related conditions. ClinVar contains an entry for this variant (Variation ID: 486217). Invitae Evidence Modeling of protein sequence and biophysical properties (such as structural, functional, and spatial information, amino acid conservation, physicochemical variation, residue mobility, and thermodynamic stability) indicates that this missense variant is not expected to disrupt PTCH1 protein function with a negative predictive value of 95%. In summary, the available evidence is currently insufficient to determine the role of this variant in disease. Therefore, it has been classified as a Variant of Uncertain Significance.

Ambry Genetics
Classification: Uncertain significance for Hereditary cancer-predisposing syndrome. Last evaluated: 2017-08-31. Review status: criteria provided, single submitter. Criteria: Ambry Variant Classification Scheme 2023. Collection method: clinical testing. Allele origin: germline.
Comment: The p.L1102V variant (also known as c.3304T>G), located in coding exon 19 of the PTCH1 gene, results from a T to G substitution at nucleotide position 3304. The leucine at codon 1102 is replaced by valine, an amino acid with highly similar properties. This amino acid position is highly conserved in available vertebrate species. In addition, this alteration is predicted to be deleterious by in silico analysis. Since supporting evidence is limited at this time, the clinical significance of this alteration remains unclear.